The following is an entry in ClinVar:

NM_001184880.2(PCDH19):c.1890C>T (p.Phe630=)

Gene: PCDH19 (protocadherin 19; minus strand). Cytogenetic location: Xq22.1.
Variant type: single nucleotide variant.
Coding change: c.1890C>T on transcript NM_001184880.2 (MANE Select); coding-DNA position 1890, C replaced by T.
Protein change: p.Phe630=; no amino-acid change (phenylalanine 630 retained).
Molecular consequence: synonymous variant.
Genome position (GRCh38, 1-based): chrX:100,406,708, G>A on the plus strand (C>T on the coding strand, the complement: PCDH19 is on the minus strand). VCF-style: chrX-100406708-G-A. GRCh37 (hg19) VCF-style: chrX-99661706-G-A.
Other names: p.F630F:TTC>TTT; c.1890C>T, p.Phe630= (NM_001105243.2, NM_020766.3).
Identifiers: ClinVar variation 206299 (VCV000206299.6), dbSNP rs796052791, ClinGen allele CA316254.
Genomic context (GRCh38, chrX:100,406,708, plus strand): 5'-TGTCTTGCCGTGGTCGTGAGCCACCACGATAAGCTCATAGGAGGACTTGGAGCTCTCCCC[G>A]AAGGTGCGGGTGGTTCTGACTTCGCCATTGACCTGGTCTATTTCAAAGAAGCCGCGGTCG-3'
Protein context (NP_001171809.1, residues 620-640): VNGEVRTTRT[Phe630=]GESSKSSYEL

ClinVar aggregate classification (germline): Benign/Likely benign. Review status: criteria provided, multiple submitters, no conflicts (2 of 4 stars). 2 submissions from 2 submitters: Benign (1); Likely benign (1). Last evaluated 2025-10-27.

Conditions:
Developmental and epileptic encephalopathy, 9 (DEE9). Also called: PCDH19-Related X-Linked Female-Limited Epilepsy with Mental Retardation; Early infantile epileptic encephalopathy 9; JUBERG-HELLMAN SYNDROME; EPILEPSY, FEMALE-RESTRICTED, WITH MENTAL RETARDATION. Identifiers: Orphanet 101039, Orphanet 2076, MedGen C1848137, MONDO:0010246, OMIM 300088. Disease mechanism: loss of function.

Allele frequency attached by ClinVar (database versions not stated): gnomAD exomes 0.00001; TOPMed 0.00001.
gnomAD v4.1: 7 of 1,210,019 alleles (0.00058%); highest among the groups gnomAD compares: Middle Eastern, 0.14%; no homozygotes.

Submissions (2):

Labcorp Genetics (formerly Invitae), Labcorp
Classification: Likely benign for Developmental and epileptic encephalopathy, 9. Last evaluated: 2025-10-27. Review status: criteria provided, single submitter. Criteria: Invitae Variant Classification Sherloc (09022015). Collection method: clinical testing. Allele origin: germline.

GeneDx
Classification: Benign. Last evaluated: 2014-10-16. Review status: criteria provided, single submitter. Criteria: GeneDx Variant Classification (06012015). Collection method: clinical testing. Allele origin: germline. Affected: yes.
Comment: This variant is considered likely benign or benign based on one or more of the following criteria: it is a conservative change, it occurs at a poorly conserved position in the protein, it is predicted to be benign by multiple in silico algorithms, and/or has population frequency not consistent with disease.